The following is an entry in ClinVar:

ClinVar aggregate classification (germline): Uncertain significance (1 of 4 stars; one submission).

Conditions:
Congenital disorder of glycosylation, type Iaa. Also called: Congenital disorder of glycosylation, type 1aa. Identifiers: MedGen C4310727, MONDO:0014904, OMIM 617082.

Allele frequency attached by ClinVar (database versions not stated): gnomAD 0.00001; gnomAD exomes 0.00001.
gnomAD v4.1: 4 of 1,550,544 alleles (0.00026%); highest among the groups gnomAD compares: Non-Finnish European, 0.00035%; no homozygotes.

Submission:

Labcorp Genetics (formerly Invitae), Labcorp
Classification: Uncertain significance for Congenital disorder of glycosylation, type Iaa. Last evaluated: 2024-01-10. Review status: criteria provided, single submitter. Criteria: Invitae Variant Classification Sherloc (09022015). Collection method: clinical testing. Allele origin: germline.
Comment: This sequence change replaces glycine, which is neutral and non-polar, with aspartic acid, which is acidic and polar, at codon 128 of the NUS1 protein (p.Gly128Asp). The frequency data for this variant in the population databases is considered unreliable, as metrics indicate poor data quality at this position in the gnomAD database. This variant has not been reported in the literature in individuals affected with NUS1-related conditions. An algorithm developed to predict the effect of missense changes on protein structure and function (PolyPhen-2) suggests that this variant is likely to be disruptive. In summary, the available evidence is currently insufficient to determine the role of this variant in disease. Therefore, it has been classified as a Variant of Uncertain Significance.

NM_138459.5(NUS1):c.383G>A (p.Gly128Asp)

Gene: NUS1 (NUS1 dehydrodolichyl diphosphate synthase subunit; plus strand). Cytogenetic location: 6q22.1.
Variant type: single nucleotide variant.
Coding change: c.383G>A on transcript NM_138459.5 (MANE Select); coding-DNA position 383, G replaced by A.
Protein change: p.Gly128Asp; replaces glycine 128 with aspartic acid.
Molecular consequence: missense variant.
Genome position (GRCh38, 1-based): chr6:117,676,053, G>A. VCF-style: chr6-117676053-G-A. GRCh37 (hg19) VCF-style: chr6-117997216-G-A.
Other names: short protein forms G128D.
Identifiers: ClinVar variation 2800776 (VCV002800776.3), dbSNP rs1283480592, ClinGen allele CA365536504.